The following is an entry in ClinVar:

ClinVar aggregate classification (germline): Uncertain significance (1 of 4 stars; one submission).

Conditions:
SH2B1-related disorder. Also called: SH2B1-related condition.

gnomAD v4.1: 74 of 1,498,052 alleles (0.0049%); highest among the groups gnomAD compares: Non-Finnish European, 0.006%; no homozygotes.

Submission:

PreventionGenetics, part of Exact Sciences
Classification: Uncertain significance for SH2B1-related condition. Last evaluated: 2026-02-24. Review status: criteria provided, single submitter. Criteria: ACMG Guidelines, 2015. Collection method: clinical testing. Allele origin: germline.
Comment: The SH2B1 c.2168C>T variant is predicted to result in the amino acid substitution p.Ala723Val. This variant has been reported in the heterozygous state in an individual with severe obesity (Pearce et al. 2014. PubMed ID: 24971614). Functional studies demonstrate this variant impacted protein function (Pearce et al. 2014. PubMed ID: 24971614). This variant is reported in 0.0076% of alleles in individuals of South Asian descent in gnomAD; however, the coverage of this variant in gnomAD v2 should be treated with caution. At this time, the clinical significance of this variant is uncertain due to the absence of conclusive functional and genetic evidence.

NM_001387430.1(SH2B1):c.2168C>T (p.Ala723Val)

Gene: SH2B1 (SH2B adaptor protein 1; plus strand). Cytogenetic location: 16p11.2.
Variant type: single nucleotide variant.
Coding change: c.2168C>T on transcript NM_001387430.1 (MANE Select); coding-DNA position 2168, C replaced by T.
Protein change: p.Ala723Val; replaces alanine 723 with valine.
Molecular consequence: missense variant. On other transcripts: 3 prime UTR variant (5).
Genome position (GRCh38, 1-based): chr16:28,873,717, C>T. VCF-style: chr16-28873717-C-T. GRCh37 (hg19) VCF-style: chr16-28885038-C-T.
Other names: c.2168C>T, p.Ala723Val (NM_001145795.2, NM_001308293.2, NM_001387404.1); c.*252C>T (NM_001145796.2, NM_001145812.2, NM_001308294.2 and 1 more transcripts); c.*269C>T (NM_001145797.2); short protein forms A723V.
Identifiers: ClinVar variation 4990312 (VCV004990312.1).